The following is an entry in ClinVar:

NM_017617.5(NOTCH1):c.5563A>C (p.Met1855Leu)

Gene: NOTCH1 (notch receptor 1; minus strand). Cytogenetic location: 9q34.3.
Variant type: single nucleotide variant.
Coding change: c.5563A>C on transcript NM_017617.5 (MANE Select); coding-DNA position 5563, A replaced by C.
Protein change: p.Met1855Leu; replaces methionine 1855 with leucine.
Molecular consequence: missense variant.
Genome position (GRCh38, 1-based): chr9:136,501,823, T>G on the plus strand (A>C on the coding strand, the complement: NOTCH1 is on the minus strand). VCF-style: chr9-136501823-T-G. GRCh37 (hg19) VCF-style: chr9-139396275-T-G.
Other names: c.5563A>C (NM_017617.3); short protein forms M1855L.
Identifiers: ClinVar variation 2803364 (VCV002803364.4), dbSNP rs1842999177, ClinGen allele CA375639153.

ClinVar aggregate classification (germline): Uncertain significance. Review status: criteria provided, multiple submitters, no conflicts (2 of 4 stars). 2 submissions from 2 submitters: Uncertain significance (2). Last evaluated 2026-07-13.

Conditions:
Familial thoracic aortic aneurysm and aortic dissection (TAAD). Also called: Thoracic aortic aneurysms and dissections. Identifiers: Orphanet 91387, MedGen C4707243, MONDO:0019625.
Adams-Oliver syndrome 5 (AOS5). Identifiers: Orphanet 974, MedGen C4014970, MONDO:0014459, OMIM 616028.

Allele frequency attached by ClinVar (database versions not stated): gnomAD 0.00001.

Submissions (2):

Ambry Genetics
Classification: Uncertain significance for Familial thoracic aortic aneurysm and aortic dissection. Last evaluated: 2026-07-13. Review status: criteria provided, single submitter. Criteria: Ambry Variant Classification Scheme 2023. Collection method: clinical testing. Allele origin: germline.
Comment: The p.M1855L variant (also known as c.5563A>C), located in coding exon 30 of the NOTCH1 gene, results from an A to C substitution at nucleotide position 5563. The methionine at codon 1855 is replaced by leucine, an amino acid with highly similar properties. This amino acid position is conserved. In addition, this alteration is predicted to be tolerated by in silico analysis. Based on the available evidence, the clinical significance of this variant remains unclear.

Labcorp Genetics (formerly Invitae), Labcorp
Classification: Uncertain significance for Adams-Oliver syndrome 5. Last evaluated: 2022-11-28. Review status: criteria provided, single submitter. Criteria: Invitae Variant Classification Sherloc (09022015). Collection method: clinical testing. Allele origin: germline.
Comment: This sequence change replaces methionine, which is neutral and non-polar, with leucine, which is neutral and non-polar, at codon 1855 of the NOTCH1 protein (p.Met1855Leu). This variant is not present in population databases (gnomAD no frequency). This variant has not been reported in the literature in individuals affected with NOTCH1-related conditions. Advanced modeling of protein sequence and biophysical properties (such as structural, functional, and spatial information, amino acid conservation, physicochemical variation, residue mobility, and thermodynamic stability) performed at Invitae indicates that this missense variant is not expected to disrupt NOTCH1 protein function. In summary, the available evidence is currently insufficient to determine the role of this variant in disease. Therefore, it has been classified as a Variant of Uncertain Significance.